The following is an entry in ClinVar:

ClinVar aggregate classification (germline): Benign. Review status: criteria provided, multiple submitters, no conflicts (2 of 4 stars). 3 submissions from 3 submitters: Benign (3). Last evaluated 2024-07-15.

Allele frequency attached by ClinVar (database versions not stated): gnomAD 0.16091 and 0.15635; TOPMed 0.16239; gnomAD exomes 0.12303; 1000 Genomes Project 30x 0.23220; 1000 Genomes Project 0.23582.
gnomAD v4.1: 150,085 of 1,171,798 alleles (13%); highest among the groups gnomAD compares: East Asian, 43%; 13,384 homozygotes.

Submissions (8):

Unidad de Genómica Garrahan, Hospital de Pediatría Garrahan
Classification: Benign. Last evaluated: 2024-07-15. Review status: criteria provided, single submitter. Criteria: ACMG Guidelines, 2015. Collection method: clinical testing. Allele origin: germline. Affected: no. Observed: 23 variant alleles.
Comment: This variant is classified as Benign based on local population frequency. This variant was detected in 25% of patients studied in a panel designed for Epileptic and Developmental Encephalopathy and Progressive Myoclonus Epilepsy. Number of patients: 23. Only high quality variants are reported.

GeneDx
Classification: Benign. Last evaluated: 2018-06-14. Review status: criteria provided, single submitter. Criteria: GeneDx Variant Classification (06012015). Collection method: clinical testing. Allele origin: germline. Affected: yes.
Comment: This variant is considered likely benign or benign based on one or more of the following criteria: it is a conservative change, it occurs at a poorly conserved position in the protein, it is predicted to be benign by multiple in silico algorithms, and/or has population frequency not consistent with disease.

Breakthrough Genomics
Classification: Benign. Review status: criteria provided, single submitter. Criteria: ACMG Guidelines, 2015. Collection method: not provided. Allele origin: germline. Inheritance: Autosomal dominant inheritance. Affected: yes.

Dr. Peter K. Rogan Lab, Western University
No classification provided (evidence only). Condition: Malignant lymphoma, large B-cell, diffuse. Review status: no classification provided. Collection method: in vitro. Allele origin: not applicable. Functional consequence: retained intron. Not counted in ClinVar's aggregate classification.

Dr. Peter K. Rogan Lab, Western University
No classification provided (evidence only). Condition: Hepatocellular carcinoma. Review status: no classification provided. Collection method: in vitro. Allele origin: not applicable. Functional consequence: retained intron. Not counted in ClinVar's aggregate classification.

Dr. Peter K. Rogan Lab, Western University
No classification provided (evidence only). Condition: Uterine carcinosarcoma. Review status: no classification provided. Collection method: in vitro. Allele origin: not applicable. Functional consequence: retained intron. Not counted in ClinVar's aggregate classification.

Dr. Peter K. Rogan Lab, Western University
No classification provided (evidence only). Condition: Uterine carcinosarcoma. Review status: no classification provided. Collection method: in vitro. Allele origin: not applicable. Functional consequence: retained intron. Not counted in ClinVar's aggregate classification.

Dr. Peter K. Rogan Lab, Western University
No classification provided (evidence only). Condition: Uterine carcinosarcoma. Review status: no classification provided. Collection method: in vitro. Allele origin: not applicable. Functional consequence: retained intron. Not counted in ClinVar's aggregate classification.

NM_001330260.2(SCN8A):c.4524+56A>G

Gene: SCN8A (sodium voltage-gated channel alpha subunit 8; plus strand). Cytogenetic location: 12q13.13.
Variant type: single nucleotide variant.
Coding change: c.4524+56A>G on transcript NM_001330260.2 (MANE Select); 56 bases into the intron after coding-DNA position 4524, A replaced by G.
Molecular consequence: intron variant.
Genome position (GRCh38, 1-based): chr12:51,790,558, A>G. VCF-style: chr12-51790558-A-G. GRCh37 (hg19) VCF-style: chr12-52184342-A-G.
Other names: NC_000012.11:g.52184342A>G; c.4524+56A>G (NM_014191.4); c.4401+56A>G (NM_001177984.3, NM_001369788.1).
Identifiers: ClinVar variation 670845 (VCV000670845.5), dbSNP rs2241855, ClinGen allele CA13746042.